The following is an entry in ClinVar:

NM_001854.4(COL11A1):c.3277-13A>C

Gene: COL11A1 (collagen type XI alpha 1 chain; minus strand). Cytogenetic location: 1p21.1.
Variant type: single nucleotide variant.
Coding change: c.3277-13A>C on transcript NM_001854.4 (MANE Select); 13 bases into the intron before coding-DNA position 3277, A replaced by C.
Molecular consequence: intron variant.
Genome position (GRCh38, 1-based): chr1:102,940,447, T>G on the plus strand (A>C on the coding strand, the complement: COL11A1 is on the minus strand). VCF-style: chr1-102940447-T-G. GRCh37 (hg19) VCF-style: chr1-103406003-T-G.
Other names: c.3160-13A>C (NM_001190709.2); c.3313-13A>C (NM_080629.3); c.2929-13A>C (NM_080630.4).
Identifiers: ClinVar variation 258457 (VCV000258457.16), dbSNP rs371455495, ClinGen allele CA974068.

ClinVar aggregate classification (germline): Conflicting classifications of pathogenicity. Review status: criteria provided, conflicting classifications (1 of 4 stars). 8 submissions from 7 submitters: Uncertain significance (1); Benign (1); Likely benign (6). Last evaluated 2026-02-01.

Conditions:
Connective tissue disorder. Also called: Connective tissue disease. Identifiers: MedGen C0009782, MONDO:0003900.
Fibrochondrogenesis 1 (FBCG1). Identifiers: Orphanet 2021, MedGen C3278138, MONDO:0009226, OMIM 228520.
Stickler syndrome type 2 (STL2). Also called: COL11A1-Related Stickler Syndrome; STICKLER SYNDROME, BEADED VITREOUS TYPE; STICKLER SYNDROME, VITREOUS TYPE 2; STICKLER SYNDROME, TYPE II. Identifiers: Orphanet 828, Orphanet 90654, MedGen C1858084, MONDO:0011493, OMIM 604841.

Allele frequency attached by ClinVar (database versions not stated): gnomAD 0.00111 and 0.00116; TOPMed 0.00111; gnomAD exomes 0.00116 and 0.00149; ESP Exome Variant Server 0.00131; ExAC 0.00141.
gnomAD v4.1: 2,281 of 1,586,220 alleles (0.14%); highest among the groups gnomAD compares: Non-Finnish European, 0.18%; 2 homozygotes.

Submissions (8):

Labcorp Genetics (formerly Invitae), Labcorp
Classification: Benign. Last evaluated: 2026-02-01. Review status: criteria provided, single submitter. Criteria: Invitae Variant Classification Sherloc (09022015). Collection method: clinical testing. Allele origin: germline.

Blueprint Genetics
Classification: Likely benign. Last evaluated: 2024-11-20. Review status: criteria provided, single submitter. Criteria: ACMG Guidelines, 2015. Collection method: clinical testing. Allele origin: germline.

ARUP Laboratories, Molecular Genetics and Genomics, ARUP Laboratories
Classification: Likely benign. Last evaluated: 2023-09-27. Review status: criteria provided, single submitter. Criteria: ARUP Molecular Germline Variant Investigation Process 2024. Collection method: clinical testing. Allele origin: germline.

GeneDx
Classification: Likely benign. Last evaluated: 2020-09-14. Review status: criteria provided, single submitter. Criteria: GeneDx Variant Classification Process June 2021. Collection method: clinical testing. Allele origin: germline. Affected: yes.

Illumina Laboratory Services, Illumina
Classification: Uncertain significance for Fibrochondrogenesis 1. Last evaluated: 2018-01-12. Review status: criteria provided, single submitter. Criteria: ICSL Variant Classification Criteria 13 December 2019. Collection method: clinical testing. Allele origin: germline.

Illumina Laboratory Services, Illumina
Classification: Likely benign for Stickler syndrome type 2. Last evaluated: 2018-01-12. Review status: criteria provided, single submitter. Criteria: ICSL Variant Classification Criteria 13 December 2019. Collection method: clinical testing. Allele origin: germline.
Comment: This variant was observed in the ICSL laboratory as part of a predisposition screen in an ostensibly healthy population. It had not been previously curated by ICSL or reported in the Human Gene Mutation Database (HGMD: prior to June 1st, 2018), and was therefore a candidate for classification through an automated scoring system. Utilizing variant allele frequency, disease prevalence and penetrance estimates, and inheritance mode, an automated score was calculated to assess if this variant is too frequent to cause the disease. Based on the score and internal cut-off values, a variant classified as likely benign is not then subjected to further curation. The score for this variant resulted in a classification of likely benign for this disease.

Center for Human Genetics, Inc
Classification: Likely benign for Connective tissue disorder. Last evaluated: 2016-11-01. Review status: criteria provided, single submitter. Criteria: ACMG Guidelines, 2015. Collection method: clinical testing. Allele origin: germline. Affected: yes.

PreventionGenetics, part of Exact Sciences
Classification: Likely benign. Review status: criteria provided, single submitter. Criteria: ACMG Guidelines, 2015. Collection method: clinical testing. Allele origin: germline.